The following is an entry in ClinVar:

NM_003384.3(VRK1):c.217-3A>G

Gene: VRK1 (VRK serine/threonine kinase 1; plus strand). Cytogenetic location: 14q32.2.
Variant type: single nucleotide variant.
Coding change: c.217-3A>G on transcript NM_003384.3 (MANE Select); 3 bases into the intron before coding-DNA position 217, A replaced by G.
Molecular consequence: intron variant.
Genome position (GRCh38, 1-based): chr14:96,846,092, A>G. VCF-style: chr14-96846092-A-G. GRCh37 (hg19) VCF-style: chr14-97312429-A-G.
Identifiers: ClinVar variation 1020836 (VCV001020836.4), dbSNP rs1009112116, ClinGen allele CA266072287.

ClinVar aggregate classification (germline): Uncertain significance. Review status: criteria provided, single submitter (1 of 4 stars). 2 submissions from 2 submitters: Uncertain significance (1). 1 of the submissions does not count toward it. Last evaluated 2020-08-02.

Conditions:
Pontocerebellar hypoplasia type 1A (PCH1A). Also called: PONTOCEREBELLAR HYPOPLASIA WITH INFANTILE SPINAL MUSCULAR ATROPHY; PONTOCEREBELLAR HYPOPLASIA WITH ANTERIOR HORN CELL DISEASE. Identifiers: Orphanet 2254, Orphanet 88616, MedGen C1843504, MONDO:0011866, OMIM 607596.

gnomAD v4.1: 1 of 1,612,898 alleles (0.000062%); highest among the groups gnomAD compares: Non-Finnish European, 0.000085%; no homozygotes.

Submissions (2):

Labcorp Genetics (formerly Invitae), Labcorp
Classification: Uncertain significance for Pontocerebellar hypoplasia type 1A. Last evaluated: 2020-08-02. Review status: criteria provided, single submitter. Criteria: Invitae Variant Classification Sherloc (09022015). Collection method: clinical testing. Allele origin: germline.
Comment: This sequence change falls in intron 3 of the VRK1 gene. It does not directly change the encoded amino acid sequence of the VRK1 protein, but it affects a nucleotide within the consensus splice site of the intron. This variant is not present in population databases (ExAC no frequency). This variant has not been reported in the literature in individuals with VRK1-related conditions. Nucleotide substitutions within the consensus splice site are a relatively common cause of aberrant splicing (PMID: 17576681, 9536098). Algorithms developed to predict the effect of sequence changes on RNA splicing suggest that this variant may disrupt the consensus splice site, but this prediction has not been confirmed by published transcriptional studies. In summary, the available evidence is currently insufficient to determine the role of this variant in disease. Therefore, it has been classified as a Variant of Uncertain Significance.

Natera, Inc.
Classification: Uncertain significance for Pontocerebellar hypoplasia, type 1a. Last evaluated: 2021-10-14. Review status: no assertion criteria provided. Collection method: clinical testing. Allele origin: germline. Not counted in ClinVar's aggregate classification.

Literature cited by the submitters: PubMed 17576681 (cited by Labcorp Genetics (formerly Invitae), Labcorp); PubMed 9536098 (cited by Labcorp Genetics (formerly Invitae), Labcorp).